The following is an entry in ClinVar:

ClinVar aggregate classification (germline): Likely pathogenic (1 of 4 stars; one submission).

Submission:

Labcorp Genetics (formerly Invitae), Labcorp
Classification: Likely pathogenic. Last evaluated: 2026-01-12. Review status: criteria provided, single submitter. Criteria: Invitae Variant Classification Sherloc (09022015). Collection method: clinical testing. Allele origin: germline.
Comment: This sequence change affects an acceptor splice site in intron 11 of the PLK4 gene. It is expected to disrupt RNA splicing. Variants that disrupt the donor or acceptor splice site typically lead to a loss of protein function (PMID: 16199547), and loss-of-function variants in PLK4 are known to be pathogenic (PMID: 25320347, 30842647). This variant is not present in population databases (gnomAD no frequency). This variant has not been reported in the literature in individuals affected with PLK4-related conditions. ClinVar contains an entry for this variant (Variation ID: 3692104). Algorithms developed to predict the effect of sequence changes on RNA splicing suggest that this variant may disrupt the consensus splice site. In summary, the currently available evidence indicates that the variant is pathogenic, but additional data are needed to prove that conclusively. Therefore, this variant has been classified as Likely Pathogenic.

Literature cited by the submitters: PubMed 16199547; PubMed 25320347; PubMed 30842647.

NM_014264.5(PLK4):c.2323-1G>A

Gene: PLK4 (polo like kinase 4; plus strand). Cytogenetic location: 4q28.1.
Variant type: single nucleotide variant.
Coding change: c.2323-1G>A on transcript NM_014264.5 (MANE Select); the canonical splice acceptor site of the intron before coding-DNA position 2323, G replaced by A.
Molecular consequence: splice acceptor variant.
Genome position (GRCh38, 1-based): chr4:127,893,512, G>A. VCF-style: chr4-127893512-G-A. GRCh37 (hg19) VCF-style: chr4-128814667-G-A.
Other names: c.2227-1G>A (NM_001190799.2); c.2200-1G>A (NM_001190801.2).
Identifiers: ClinVar variation 3692104 (VCV003692104.2).